The following is an entry in ClinVar:

ClinVar aggregate classification (germline): Uncertain significance (1 of 4 stars; one submission).

Conditions:
Hereditary sensory and autonomic neuropathy type 7. Also called: HSAN VII; Neuropathy, hereditary sensory and autonomic, type VII. Identifiers: Orphanet 391397, MedGen C3809882, MONDO:0014244, OMIM 615548.
Familial episodic pain syndrome with predominantly lower limb involvement. Also called: Episodic pain syndrome, familial, 3. Identifiers: Orphanet 391384, Orphanet 391392, MedGen C3809899, MONDO:0014247, OMIM 615552.

gnomAD v4.1: 2 of 1,614,016 alleles (0.00012%); highest among the groups gnomAD compares: South Asian, 0.0011%; no homozygotes.

Submission:

Labcorp Genetics (formerly Invitae), Labcorp
Classification: Uncertain significance for Familial episodic pain syndrome with predominantly lower limb involvement; Hereditary sensory and autonomic neuropathy type 7. Last evaluated: 2024-03-08. Review status: criteria provided, single submitter. Criteria: Invitae Variant Classification Sherloc (09022015). Collection method: clinical testing. Allele origin: germline.
Comment: This sequence change replaces serine, which is neutral and polar, with asparagine, which is neutral and polar, at codon 1056 of the SCN11A protein (p.Ser1056Asn). This variant is present in population databases (rs746797246, gnomAD 0.004%). This variant has not been reported in the literature in individuals affected with SCN11A-related conditions. Advanced modeling of protein sequence and biophysical properties (such as structural, functional, and spatial information, amino acid conservation, physicochemical variation, residue mobility, and thermodynamic stability) performed at Invitae indicates that this missense variant is not expected to disrupt SCN11A protein function with a negative predictive value of 80%. In summary, the available evidence is currently insufficient to determine the role of this variant in disease. Therefore, it has been classified as a Variant of Uncertain Significance.

NM_001349253.2(SCN11A):c.3167G>A (p.Ser1056Asn)

Gene: SCN11A (sodium voltage-gated channel alpha subunit 11; minus strand). Cytogenetic location: 3p22.2.
Variant type: single nucleotide variant.
Coding change: c.3167G>A on transcript NM_001349253.2 (MANE Select); coding-DNA position 3167, G replaced by A.
Protein change: p.Ser1056Asn; replaces serine 1056 with asparagine.
Molecular consequence: missense variant.
Genome position (GRCh38, 1-based): chr3:38,883,285, C>T on the plus strand (G>A on the coding strand, the complement: SCN11A is on the minus strand). VCF-style: chr3-38883285-C-T. GRCh37 (hg19) VCF-style: chr3-38924776-C-T.
Other names: c.3167G>A, p.Ser1056Asn (NM_014139.3); short protein forms S1056N.
Identifiers: ClinVar variation 3754913 (VCV003754913.2).